The following is an entry in ClinVar:

NM_032638.5(GATA2):c.620A>G (p.Asp207Gly)

Gene: GATA2 (GATA binding protein 2; minus strand). Cytogenetic location: 3q21.3.
Variant type: single nucleotide variant.
Coding change: c.620A>G on transcript NM_032638.5 (MANE Select); coding-DNA position 620, A replaced by G.
Protein change: p.Asp207Gly; replaces aspartic acid 207 with glycine.
Molecular consequence: missense variant.
Genome position (GRCh38, 1-based): chr3:128,485,978, T>C on the plus strand (A>G on the coding strand, the complement: GATA2 is on the minus strand). VCF-style: chr3-128485978-T-C. GRCh37 (hg19) VCF-style: chr3-128204821-T-C.
Other names: c.620A>G, p.Asp207Gly (NM_001145661.2, NM_001145662.1); short protein forms D207G.
Identifiers: ClinVar variation 1367844 (VCV001367844.8), dbSNP rs2107672269, ClinGen allele CA354406401.

ClinVar aggregate classification (germline): Uncertain significance (1 of 4 stars; one submission).

Conditions:
Deafness-lymphedema-leukemia syndrome. Also called: Emberger syndrome; Lymphedema, primary, with myelodysplasia. Identifiers: Orphanet 3226, MedGen C3279664, MONDO:0013540, OMIM 614038.
Monocytopenia with susceptibility to infections. Also called: MONOCYTOPENIA AND MYCOBACTERIAL INFECTION SYNDROME; GATA2 DEFICIENCY; IMMUNODEFICIENCY 21; MONOCYTOPENIA WITH SUSCEPTIBILITY TO MYCOBACTERIAL, FUNGAL, AND PAPILLOMAVIRUS INFECTIONS AND MYELODYSPLASIA; COMBINED IMMUNODEFICIENCY WITH SUSCEPTIBILITY TO MYCOBACTERIAL, VIRAL, AND FUNGAL INFECTIONS; Dendritic cell, monocyte, B lymphocyte, and natural killer lymphocyte deficiency. Identifiers: Orphanet 228423, MedGen C3280030, MONDO:0013607, OMIM 614172.

Allele frequency attached by ClinVar (database versions not stated): gnomAD exomes below 0.00001.
gnomAD v4.1: 2 of 1,614,104 alleles (0.00012%); highest among the groups gnomAD compares: Non-Finnish European, 0.00017%; no homozygotes.

Submission:

Labcorp Genetics (formerly Invitae), Labcorp
Classification: Uncertain significance for Monocytopenia with susceptibility to infections; Deafness-lymphedema-leukemia syndrome. Last evaluated: 2021-07-04. Review status: criteria provided, single submitter. Criteria: Invitae Variant Classification Sherloc (09022015). Collection method: clinical testing. Allele origin: germline.
Comment: This sequence change replaces aspartic acid with glycine at codon 207 of the GATA2 protein (p.Asp207Gly). The aspartic acid residue is moderately conserved and there is a moderate physicochemical difference between aspartic acid and glycine. This variant is not present in population databases (ExAC no frequency). This variant has not been reported in the literature in individuals with GATA2-related conditions. Algorithms developed to predict the effect of missense changes on protein structure and function (SIFT, PolyPhen-2, Align-GVGD) all suggest that this variant is likely to be tolerated, but these predictions have not been confirmed by published functional studies and their clinical significance is uncertain. In summary, the available evidence is currently insufficient to determine the role of this variant in disease. Therefore, it has been classified as a Variant of Uncertain Significance.